The following is an entry in ClinVar:

NM_001170535.3(ATAD3A):c.158C>T (p.Thr53Ile)

Gene: ATAD3A (ATPase family AAA domain containing 3A; plus strand). Cytogenetic location: 1p36.33.
Variant type: single nucleotide variant.
Coding change: c.158C>T on transcript NM_001170535.3 (MANE Select); coding-DNA position 158, C replaced by T.
Protein change: p.Thr53Ile; replaces threonine 53 with isoleucine.
Molecular consequence: missense variant.
Genome position (GRCh38, 1-based): chr1:1,512,426, C>T. VCF-style: chr1-1512426-C-T. GRCh37 (hg19) VCF-style: chr1-1447806-C-T.
Other names: c.158C>T, p.Thr53Ile (NM_018188.5); short protein forms T53I.
Identifiers: ClinVar variation 225697 (VCV000225697.45), dbSNP rs1057517687, ClinGen allele CA16040615.

ClinVar aggregate classification (germline): Conflicting classifications of pathogenicity. Review status: criteria provided, conflicting classifications (1 of 4 stars). 5 submissions from 5 submitters: Likely pathogenic (1); Uncertain significance (3). 1 of the submissions does not count toward it. Last evaluated 2025-08-06.

Conditions:
Pontocerebellar hypoplasia, hypotonia, and respiratory insufficiency syndrome, neonatal lethal. Also called: PHRINL SYNDROME. Identifiers: Orphanet 615954, MedGen C5394137, MONDO:0032931, OMIM 618810.
Harel-Yoon syndrome (HAYOS). Also called: Optic atrophy-peripheral neuropathy-developmental delay syndrome. Identifiers: Orphanet 496790, MedGen C4310677, MONDO:0014958, OMIM 617183.

Allele frequency attached by ClinVar (database versions not stated): gnomAD exomes below 0.00001.
gnomAD v4.1: 4 of 1,229,422 alleles (0.00033%); highest among the groups gnomAD compares: Non-Finnish European, 0.00041%; no homozygotes.

Submissions (5):

Dasa
Classification: Uncertain significance. Last evaluated: 2025-08-06. Review status: criteria provided, single submitter. Criteria: DASA Assertion Criteria. Collection method: clinical testing. Allele origin: germline.
Comment: NM_001170535.3(ATAD3A):c.158C>T (p.Thr53Ile) is a missense variant that results in the substitution of threonine with isoleucine. This variant has been observed in affected individuals with ATAD3A-related disorders. Also, this variant is rare in population databases. The currently available literature and clinical evidence are not sufficient to establish a definitive association between this variant and the reported condition. Therefore, this variant is classified as a variant of uncertain significance.

Genomic Medicine Center of Excellence, King Faisal Specialist Hospital and Research Centre
Classification: Uncertain significance for Pontocerebellar hypoplasia, hypotonia, and respiratory insufficiency syndrome, neonatal lethal. Last evaluated: 2024-04-04. Review status: criteria provided, single submitter. Criteria: ACMG Guidelines, 2015. Collection method: clinical testing. Allele origin: germline.

CeGaT Center for Human Genetics Tuebingen
Classification: Likely pathogenic. Last evaluated: 2017-07-01. Review status: criteria provided, single submitter. Criteria: CeGaT Center For Human Genetics Tuebingen Variant Classification Criteria Version 2. Collection method: clinical testing. Allele origin: germline. Affected: yes. Observed: 1 variant allele.

Lupski Lab, Baylor-Hopkins CMG, Baylor College of Medicine
Classification: Uncertain significance. Last evaluated: 2016-04-26. Review status: criteria provided, single submitter. Criteria: Harel et al. (Am J Hum Genet 2016). Collection method: research. Allele origin: germline. Inheritance: Autosomal recessive inheritance. Affected: yes. Observed: 2 homozygotes. Clinical features observed: Congenital cataracts, Ataxia, Seizure.
Comment: homozygous variant identified in siblings

OMIM
Classification: Pathogenic for HAREL-YOON SYNDROME, AUTOSOMAL RECESSIVE. Last evaluated: 2016-11-29. Review status: no assertion criteria provided. Collection method: literature only. Allele origin: germline. Not counted in ClinVar's aggregate classification.

Literature cited by the submitters: PubMed 27640307 (cited by OMIM).